The following is an entry in ClinVar:

ClinVar aggregate classification (germline): Conflicting classifications of pathogenicity. Review status: criteria provided, conflicting classifications (1 of 4 stars). 2 submissions from 2 submitters: Uncertain significance (1); Likely benign (1). Last evaluated 2025-04-19.

Allele frequency attached by ClinVar (database versions not stated): ExAC 0.00002.

Submissions (2):

Labcorp Genetics (formerly Invitae), Labcorp
Classification: Likely benign. Last evaluated: 2025-04-19. Review status: criteria provided, single submitter. Criteria: Invitae Variant Classification Sherloc (09022015). Collection method: clinical testing. Allele origin: germline.

CeGaT Center for Human Genetics Tuebingen
Classification: Uncertain significance. Last evaluated: 2024-12-01. Review status: criteria provided, single submitter. Criteria: CeGaT Center For Human Genetics Tuebingen Variant Classification Criteria Version 2. Collection method: clinical testing. Allele origin: germline. Affected: yes. Observed: 2 variant alleles.
Comment: ZNF513: PM2, BP4

NM_144631.6(ZNF513):c.1209G>C (p.Leu403=)

Gene: ZNF513 (zinc finger protein 513; minus strand). Cytogenetic location: 2p23.3.
Variant type: single nucleotide variant.
Coding change: c.1209G>C on transcript NM_144631.6 (MANE Select); coding-DNA position 1209, G replaced by C.
Protein change: p.Leu403=; no amino-acid change (leucine 403 retained).
Molecular consequence: synonymous variant.
Genome position (GRCh38, 1-based): chr2:27,377,962, C>G on the plus strand (G>C on the coding strand, the complement: ZNF513 is on the minus strand). VCF-style: chr2-27377962-C-G. GRCh37 (hg19) VCF-style: chr2-27600829-C-G.
Other names: c.1023G>C, p.Leu341= (NM_001201459.2).
Identifiers: ClinVar variation 1082348 (VCV001082348.32), dbSNP rs767264817, ClinGen allele CA1577839.